The following is an entry in ClinVar:

NM_001194998.2(CEP152):c.1577+3A>G

Gene: CEP152 (centrosomal protein 152; minus strand). Cytogenetic location: 15q21.1.
Variant type: single nucleotide variant.
Coding change: c.1577+3A>G on transcript NM_001194998.2 (MANE Select); 3 bases into the intron after coding-DNA position 1577, A replaced by G.
Molecular consequence: intron variant.
Genome position (GRCh38, 1-based): chr15:48,781,193, T>C on the plus strand (A>G on the coding strand, the complement: CEP152 is on the minus strand). VCF-style: chr15-48781193-T-C. GRCh37 (hg19) VCF-style: chr15-49073390-T-C.
Other names: c.1577+3A>G (NM_014985.4).
Identifiers: ClinVar variation 1336520 (VCV001336520.5), dbSNP rs1196921831, ClinGen allele CA618009496.

ClinVar aggregate classification (germline): Uncertain significance. Review status: criteria provided, single submitter (1 of 4 stars). 2 submissions from 2 submitters: Uncertain significance (1). 1 of the submissions does not count toward it. Last evaluated 2018-02-07.

Conditions:
Seckel syndrome 5 (SCKL5). Identifiers: Orphanet 808, MedGen C3151187, MONDO:0013443, OMIM 613823.
Microcephaly 9, primary, autosomal recessive. Identifiers: Orphanet 2512, MedGen C3553886, MONDO:0013923, OMIM 614852.

Allele frequency attached by ClinVar (database versions not stated): gnomAD exomes below 0.00001.
gnomAD v4.1: 2 of 1,612,868 alleles (0.00012%); highest among the groups gnomAD compares: South Asian, 0.0011%; no homozygotes.

Submissions (2):

Genetic Services Laboratory, University of Chicago
Classification: Uncertain significance. Last evaluated: 2018-02-07. Review status: criteria provided, single submitter. Criteria: ACMG Guidelines, 2015. Collection method: clinical testing. Allele origin: germline. Affected: no.

Molecular Diagnostic Laboratory, Beijing Chigene Translational Medicine Research Center
Classification: Likely pathogenic for Seckel syndrome 5; Microcephaly 9, primary, autosomal recessive. Review status: no assertion criteria provided. Collection method: clinical testing. Allele origin: inherited. Inheritance: Autosomal recessive inheritance. Affected: yes. Observed: 1 compound heterozygote. Not counted in ClinVar's aggregate classification.
Comment: The c.1577+3A>G variant is also in the CEP152 gene. It has not been previously reported in the literature and is either absent or present at an extremely low MAFs in population databases. Minigene assays confirmed that this variant affects splicing, leading to two abnormal RNA transcripts: retention of 77 bp within intron 12 and skipping of exon 12. In trans, the pathogenic variant c.3829delA (p.Ile1277Leufs*20) was also detected. Based on these findings, this variant is classified as likely pathogenic.

Literature cited by the submitters: PubMed 21131973 (cited by Molecular Diagnostic Laboratory, Beijing Chigene Translational Medicine Research Center).